The following is an entry in ClinVar:

ClinVar aggregate classification (germline): Likely benign (1 of 4 stars; one submission).

Allele frequency attached by ClinVar (database versions not stated): ExAC 0.00085; gnomAD 0.00217; ESP Exome Variant Server 0.00218; 1000 Genomes Project 0.00419; 1000 Genomes Project 30x 0.00468.

Submission:

CeGaT Center for Human Genetics Tuebingen
Classification: Likely benign. Last evaluated: 2023-04-01. Review status: criteria provided, single submitter. Criteria: CeGaT Center For Human Genetics Tuebingen Variant Classification Criteria Version 2. Collection method: clinical testing. Allele origin: germline. Affected: yes. Observed: 1 variant allele.
Comment: AHNAK2: BP4, BS2

NM_138420.4(AHNAK2):c.7803A>C (p.Glu2601Asp)

Gene: AHNAK2 (AHNAK nucleoprotein 2; minus strand). Cytogenetic location: 14q32.33.
Variant type: single nucleotide variant.
Coding change: c.7803A>C on transcript NM_138420.4 (MANE Select); coding-DNA position 7803, A replaced by C.
Protein change: p.Glu2601Asp; replaces glutamic acid 2601 with aspartic acid.
Molecular consequence: missense variant.
Genome position (GRCh38, 1-based): chr14:104,947,648, T>G on the plus strand (A>C on the coding strand, the complement: AHNAK2 is on the minus strand). VCF-style: chr14-104947648-T-G. GRCh37 (hg19) VCF-style: chr14-105413985-T-G.
Other names: c.7503A>C, p.Glu2501Asp (NM_001350929.2); short protein forms E2501D, E2601D.
Identifiers: ClinVar variation 2644716 (VCV002644716.24), dbSNP rs199812824, ClinGen allele CA7380387.